The following is an entry in ClinVar:

NM_207346.3(TSEN54):c.803C>G (p.Pro268Arg)

Gene: TSEN54 (tRNA splicing endonuclease subunit 54; plus strand). Cytogenetic location: 17q25.1.
Variant type: single nucleotide variant.
Coding change: c.803C>G on transcript NM_207346.3 (MANE Select); coding-DNA position 803, C replaced by G.
Protein change: p.Pro268Arg; replaces proline 268 with arginine.
Molecular consequence: missense variant.
Genome position (GRCh38, 1-based): chr17:75,521,884, C>G. VCF-style: chr17-75521884-C-G. GRCh37 (hg19) VCF-style: chr17-73517965-C-G.
Other names: short protein forms P268R.
Identifiers: ClinVar variation 1432839 (VCV001432839.8), dbSNP rs2147013200, ClinGen allele CA401029070.

ClinVar aggregate classification (germline): Uncertain significance (1 of 4 stars; one submission).

Submission:

Labcorp Genetics (formerly Invitae), Labcorp
Classification: Uncertain significance. Last evaluated: 2025-03-31. Review status: criteria provided, single submitter. Criteria: Invitae Variant Classification Sherloc (09022015). Collection method: clinical testing. Allele origin: germline.
Comment: This sequence change replaces proline, which is neutral and non-polar, with arginine, which is basic and polar, at codon 268 of the TSEN54 protein (p.Pro268Arg). This variant is not present in population databases (gnomAD no frequency). This variant has not been reported in the literature in individuals affected with TSEN54-related conditions. ClinVar contains an entry for this variant (Variation ID: 1432839). Invitae Evidence Modeling of protein sequence and biophysical properties (such as structural, functional, and spatial information, amino acid conservation, physicochemical variation, residue mobility, and thermodynamic stability) indicates that this missense variant is not expected to disrupt TSEN54 protein function with a negative predictive value of 95%. In summary, the available evidence is currently insufficient to determine the role of this variant in disease. Therefore, it has been classified as a Variant of Uncertain Significance.